The following is an entry in ClinVar:

ClinVar aggregate classification (germline): Benign (1 of 4 stars; one submission).

Allele frequency attached by ClinVar (database versions not stated): 1000 Genomes Project 30x 0.49938; 1000 Genomes Project 0.49960; TOPMed 0.51015; gnomAD 0.51052 and 0.51310.
gnomAD v4.1: 77,432 of 151,918 alleles (51%); highest among the groups gnomAD compares: African/African-American, 55%; 19,638 homozygotes.

Submission:

GeneDx
Classification: Benign. Last evaluated: 2020-02-17. Review status: criteria provided, single submitter. Criteria: GeneDx Variant Classification Process June 2021. Collection method: clinical testing. Allele origin: germline. Affected: yes.
Comment: This variant is associated with the following publications: (PMID: 30079747)

NM_014883.4(FAM13A):c.606-25694C>A

Gene: FAM13A (family with sequence similarity 13 member A; minus strand). Cytogenetic location: 4q22.1.
Variant type: single nucleotide variant.
Coding change: c.606-25694C>A on transcript NM_014883.4 (MANE Select); 25694 bases into the intron before coding-DNA position 606, C replaced by A.
Molecular consequence: intron variant.
Genome position (GRCh38, 1-based): chr4:88,963,935, G>T on the plus strand (C>A on the coding strand, the complement: FAM13A is on the minus strand). VCF-style: chr4-88963935-G-T. GRCh37 (hg19) VCF-style: chr4-89885086-G-T.
Identifiers: ClinVar variation 1178728 (VCV001178728.2), dbSNP rs2013701, ClinGen allele CA15315048.